The following is an entry in ClinVar:

NM_001849.4(COL6A2):c.2318A>C (p.Tyr773Ser)

Gene: COL6A2 (collagen type VI alpha 2 chain; plus strand). Cytogenetic location: 21q22.3.
Variant type: single nucleotide variant.
Coding change: c.2318A>C on transcript NM_001849.4 (MANE Select); coding-DNA position 2318, A replaced by C.
Protein change: p.Tyr773Ser; replaces tyrosine 773 with serine.
Molecular consequence: missense variant.
Genome position (GRCh38, 1-based): chr21:46,126,133, A>C. VCF-style: chr21-46126133-A-C. GRCh37 (hg19) VCF-style: chr21-47546047-A-C.
Other names: c.2318A>C, p.Tyr773Ser (NM_058174.3, NM_058175.3); short protein forms Y773S.
Identifiers: ClinVar variation 659337 (VCV000659337.9), dbSNP rs1601251344, ClinGen allele CA410542525.

ClinVar aggregate classification (germline): Uncertain significance (1 of 4 stars; one submission).

Conditions:
Bethlem myopathy 1A. Also called: Bethlem Muscular Dystrophy; Bethlem myopathy 1; MYOPATHY, BENIGN CONGENITAL, WITH CONTRACTURES. Identifiers: Orphanet 610, MedGen CN029274, MONDO:0024530, OMIM 158810.

Submission:

Labcorp Genetics (formerly Invitae), Labcorp
Classification: Uncertain significance for Bethlem myopathy 1A. Last evaluated: 2018-07-08. Review status: criteria provided, single submitter. Criteria: Invitae Variant Classification Sherloc (09022015). Collection method: clinical testing. Allele origin: germline.
Comment: In summary, the available evidence is currently insufficient to determine the role of this variant in disease. Therefore, it has been classified as a Variant of Uncertain Significance. Algorithms developed to predict the effect of missense changes on protein structure and function (SIFT, PolyPhen-2, Align-GVGD) all suggest that this variant is likely to be tolerated, but these predictions have not been confirmed by published functional studies and their clinical significance is uncertain. This variant has not been reported in the literature in individuals with COL6A2-related disease. This variant is not present in population databases (ExAC no frequency). This sequence change replaces tyrosine with serine at codon 773 of the COL6A2 protein (p.Tyr773Ser). The tyrosine residue is weakly conserved and there is a large physicochemical difference between tyrosine and serine.